The following is an entry in ClinVar:

NM_025099.6(CTC1):c.2196CTT[1] (p.Phe733del)

Gene: CTC1 (CST telomere replication complex component 1; minus strand). Cytogenetic location: 17p13.1.
Variant type: Microsatellite.
Coding change: c.2196CTT[1] on transcript NM_025099.6 (MANE Select); one copy of the 3-base unit CTT starting at c.2196; the reference has two copies in a row; one copy, 3 bases deleted.
Protein change: p.Phe733del; deletes phenylalanine 733.
Molecular consequence: inframe deletion. On other transcripts: non-coding transcript variant (1).
Genome position (GRCh38, 1-based): chr17:8,232,087-8,232,089, AAG deleted on the plus strand (CTT on the coding strand, the reverse complement: CTC1 is on the minus strand); deleting any 3 consecutive bases within chr17:8,232,087-8,232,093 gives the same sequence; the position shown is the placement nearest the transcript's 3' end. VCF-style (leftmost placement, unchanged base first): chr17-8232086-CAAG-C. GRCh37 (hg19) VCF-style: chr17-8135404-CAAG-C.
Other names: c.2196CTT[1], p.Phe733del (NM_001411067.1); short protein forms F733del.
Identifiers: ClinVar variation 3270021 (VCV003270021.1).
Genomic context (GRCh38, chr17:8,232,086, plus strand): 5'-TGGACTTGCTCCTGGGGGGACACAAAAATTACGCTTCATGAGGGCCTCCTTGTGGCAGAG[CAAG>C]AAGAGCCGGCTCTGTCCTAGGTGGGGTCCCTCTGGGCCGGTGGGATCTGTCTGAGGTGTT-3'

ClinVar aggregate classification (germline): Uncertain significance (1 of 4 stars; one submission).

Conditions:
Inborn genetic diseases. Identifiers: MedGen C0950123, MeSH D030342.

Submission:

Ambry Genetics
Classification: Uncertain significance for Inborn genetic diseases. Last evaluated: 2024-05-07. Review status: criteria provided, single submitter. Criteria: Ambry Variant Classification Scheme 2023. Collection method: clinical testing. Allele origin: germline.
Comment: The c.2199_2201delCTT (p.F733del) alteration is located in exon 13 (coding exon 13) of the CTC1 gene. This alteration consists of an in-frame deletion of 3 nucleotides between nucleotide positions c.2199 and c.2201, resulting in the deletion of 1 residue. Based on insufficient or conflicting evidence, the clinical significance of this alteration remains unclear.